The following is an entry in ClinVar:

ClinVar aggregate classification (germline): Likely benign (1 of 4 stars; one submission).

Allele frequency attached by ClinVar (database versions not stated): gnomAD exomes below 0.00001.
gnomAD v4.1: 4 of 1,529,130 alleles (0.00026%); highest among the groups gnomAD compares: African/African-American, 0.0014%; no homozygotes.

Submission:

CeGaT Center for Human Genetics Tuebingen
Classification: Likely benign. Last evaluated: 2024-03-01. Review status: criteria provided, single submitter. Criteria: CeGaT Center For Human Genetics Tuebingen Variant Classification Criteria Version 2. Collection method: clinical testing. Allele origin: germline. Affected: yes. Observed: 1 variant allele.
Comment: ATP8A2: BP4, BP7

NM_016529.6(ATP8A2):c.3423G>A (p.Thr1141=)

Gene: ATP8A2 (ATPase phospholipid transporting 8A2). Cytogenetic location: 13q12.13.
Variant type: single nucleotide variant.
Coding change: c.3423G>A on transcript NM_016529.6 (MANE Select); coding-DNA position 3423, G replaced by A.
Protein change: p.Thr1141=; no amino-acid change (threonine 1141 retained).
Molecular consequence: synonymous variant.
Genome position (GRCh38, 1-based): chr13:26,012,576, G>A. VCF-style: chr13-26012576-G-A. GRCh37 (hg19) VCF-style: chr13-26586714-G-A.
Other names: c.3228G>A, p.Thr1076= (NM_001313741.1); c.3348G>A, p.Thr1116= (NM_001411005.1).
Identifiers: ClinVar variation 3067449 (VCV003067449.21), dbSNP rs1401971972, ClinGen allele CA483006488.